The following is an entry in ClinVar:

ClinVar aggregate classification (germline): Uncertain significance (1 of 4 stars; one submission).

Submission:

Ambry Genetics
Classification: Uncertain significance. Last evaluated: 2025-02-18. Review status: criteria provided, single submitter. Criteria: Ambry Variant Classification Scheme 2023. Collection method: clinical testing. Allele origin: germline.
Comment: The p.P167S variant (also known as c.499C>T), located in coding exon 1 of the PALLD gene, results from a C to T substitution at nucleotide position 499. The proline at codon 167 is replaced by serine, an amino acid with similar properties. This amino acid position is conserved. In addition, this alteration is predicted to be tolerated by in silico analysis. Based on the available evidence, the clinical significance of this variant remains unclear.

NM_001166108.2(PALLD):c.1965-12532C>T

Gene: PALLD (palladin, cytoskeletal associated protein; plus strand). Cytogenetic location: 4q32.3.
Variant type: single nucleotide variant.
Coding change: c.1965-12532C>T on transcript NM_001166108.2 (MANE Select); 12532 bases into the intron before coding-DNA position 1965, C replaced by T.
Molecular consequence: intron variant. On other transcripts: missense variant (1).
Genome position (GRCh38, 1-based): chr4:168,878,390, C>T. VCF-style: chr4-168878390-C-T. GRCh37 (hg19) VCF-style: chr4-169799541-C-T.
Other names: c.499C>T, p.Pro167Ser (NM_001166110.2); c.1965-12532C>T (NM_016081.4); c.819-12532C>T (NM_001166109.2); c.-157-12532C>T (NM_001367570.1, NM_001367568.1, NM_001367567.1 and 1 more transcripts); short protein forms P167S.
Identifiers: ClinVar variation 3885348 (VCV003885348.1).